The following is an entry in ClinVar:

ClinVar aggregate classification (germline): Uncertain significance (1 of 4 stars; one submission).

Submission:

GeneDx
Classification: Uncertain significance. Last evaluated: 2022-01-11. Review status: criteria provided, single submitter. Criteria: GeneDx Variant Classification Process June 2021. Collection method: clinical testing. Allele origin: germline. Affected: yes.
Comment: Not observed at significant frequency in large population cohorts (gnomAD); In-frame Insertion of 2 amino acids in a non-repeat region; Has not been previously published as pathogenic or benign to our knowledge

NM_138576.4(BCL11B):c.1262_1267dup (p.Pro422_Pro423insGlnPro)

Gene: BCL11B (BCL11 transcription factor B; minus strand). Cytogenetic location: 14q32.2.
Variant type: Duplication.
Coding change: c.1262_1267dup on transcript NM_138576.4 (MANE Select); coding-DNA positions 1262 to 1267, 6 bases duplicated (AGCCGC; older notation c.1262_1267dupAGCCGC).
Protein change: p.Pro422_Pro423insGlnPro.
Molecular consequence: inframe insertion.
Genome position (GRCh38, 1-based): chr14:99,175,569-99,175,574, GCGGCT duplicated on the plus strand (AGCCGC on the coding strand, the reverse complement: BCL11B is on the minus strand); duplicating any 6 consecutive bases within chr14:99,175,569-99,175,578 gives the same sequence; the c. name uses the placement nearest the transcript's 3' end. VCF-style (leftmost placement, unchanged base first): chr14-99175568-G-GGCGGCT. GRCh37 (hg19) VCF-style: chr14-99641905-G-GGCGGCT.
Other names: c.1259_1264dup, p.Pro421_Pro422insGlnPro (NM_001282237.2); c.1046_1051dup, p.Pro350_Pro351insGlnPro (NM_001282238.2); c.1049_1054dup, p.Pro351_Pro352insGlnPro (NM_022898.3).
Identifiers: ClinVar variation 1695731 (VCV001695731.2), dbSNP rs2139759440, ClinGen allele CA2580089076.